The following is an entry in ClinVar:

ClinVar aggregate classification (germline): Uncertain significance (1 of 4 stars; one submission).

Conditions:
Cardiovascular phenotype. Identifiers: MedGen CN230736.

Submission:

Ambry Genetics
Classification: Uncertain significance for Cardiovascular phenotype. Last evaluated: 2024-09-27. Review status: criteria provided, single submitter. Criteria: Ambry Variant Classification Scheme 2023. Collection method: clinical testing. Allele origin: germline.
Comment: The p.E356K variant (also known as c.1066G>A), located in coding exon 10 of the PRKAG2 gene, results from a G to A substitution at nucleotide position 1066. The glutamic acid at codon 356 is replaced by lysine, an amino acid with similar properties. This variant has been reported in an individual in a hypertrophic cardiomyopathy (HCM) cohort, but clinical details were limited (Walsh R et al. Genet. Med., 2017 02;19:192-203). This amino acid position is well conserved in available vertebrate species. In addition, the in silico prediction for this alteration is inconclusive. Since supporting evidence is limited at this time, the clinical significance of this alteration remains unclear.

Literature cited by the submitters: PubMed 27532257.

NM_016203.4(PRKAG2):c.1066G>A (p.Glu356Lys)

Gene: PRKAG2 (protein kinase AMP-activated non-catalytic subunit gamma 2; minus strand). Cytogenetic location: 7q36.1.
Variant type: single nucleotide variant.
Coding change: c.1066G>A on transcript NM_016203.4 (MANE Select); coding-DNA position 1066, G replaced by A.
Protein change: p.Glu356Lys; replaces glutamic acid 356 with lysine.
Molecular consequence: missense variant.
Genome position (GRCh38, 1-based): chr7:151,570,211, C>T on the plus strand (G>A on the coding strand, the complement: PRKAG2 is on the minus strand). VCF-style: chr7-151570211-C-T. GRCh37 (hg19) VCF-style: chr7-151267297-C-T.
Other names: c.934G>A, p.Glu312Lys (NM_001040633.2, NM_001407024.1); c.691G>A, p.Glu231Lys (NM_001304527.2, NM_001407029.1); c.343G>A, p.Glu115Lys (NM_001304531.2, NM_001407034.1, NM_001407035.1 and 1 more transcripts); c.694G>A, p.Glu232Lys (NM_001363698.2, NM_001407028.1); c.1066G>A, p.Glu356Lys (NM_001407021.1); c.1063G>A, p.Glu355Lys (NM_001407022.1, NM_001407023.1); c.931G>A, p.Glu311Lys (NM_001407026.1, NM_001407027.1); c.778G>A, p.Glu260Lys (NM_001407030.1); and 6 more; short protein forms E250K, E311K, E355K, E232K, E248K, E259K, E260K, E115K.
Identifiers: ClinVar variation 1781981 (VCV001781981.3), dbSNP rs2536346396, ClinGen allele CA370071791.